The following is an entry in ClinVar:

NM_000921.5(PDE3A):c.293C>G (p.Ala98Gly)

Genes: PDE3A (phosphodiesterase 3A; plus strand), PDE3A-AS1 (PDE3A antisense RNA 1; minus strand), LOC124625920 (Sharpr-MPRA regulatory region 8059; plus strand). Cytogenetic location: 12p12.2.
Variant type: single nucleotide variant.
Coding change: c.293C>G on transcript NM_000921.5 (MANE Select); coding-DNA position 293, C replaced by G.
Protein change: p.Ala98Gly; replaces alanine 98 with glycine.
Molecular consequence: missense variant. On other transcripts: 5 prime UTR variant (1).
Genome position (GRCh38, 1-based): chr12:20,369,577, C>G. VCF-style: chr12-20369577-C-G. GRCh37 (hg19) VCF-style: chr12-20522511-C-G.
Other names: c.293C>G, p.Ala98Gly (NM_001378407.1); c.-736C>G (NM_001378408.1); short protein forms A98G.
Identifiers: ClinVar variation 1365719 (VCV001365719.8), dbSNP rs200052001, ClinGen allele CA384293915.

ClinVar aggregate classification (germline): Uncertain significance (1 of 4 stars; one submission).

gnomAD v4.1: 19 of 1,549,388 alleles (0.0012%); highest among the groups gnomAD compares: Non-Finnish European, 0.0016%; no homozygotes.

Submission:

Labcorp Genetics (formerly Invitae), Labcorp
Classification: Uncertain significance. Last evaluated: 2021-06-22. Review status: criteria provided, single submitter. Criteria: Invitae Variant Classification Sherloc (09022015). Collection method: clinical testing. Allele origin: germline.
Comment: This sequence change replaces alanine with glycine at codon 98 of the PDE3A protein (p.Ala98Gly). The alanine residue is weakly conserved and there is a small physicochemical difference between alanine and glycine. The frequency data for this variant in the population databases is considered unreliable, as metrics indicate insufficient coverage at this position in the ExAC database. In summary, the available evidence is currently insufficient to determine the role of this variant in disease. Therefore, it has been classified as a Variant of Uncertain Significance. Algorithms developed to predict the effect of missense changes on protein structure and function (SIFT, PolyPhen-2, Align-GVGD) all suggest that this variant is likely to be tolerated, but these predictions have not been confirmed by published functional studies and their clinical significance is uncertain. This variant has not been reported in the literature in individuals with PDE3A-related conditions.